The following is an entry in ClinVar:

ClinVar aggregate classification (germline): Uncertain significance. Review status: criteria provided, multiple submitters, no conflicts (2 of 4 stars). 3 submissions from 3 submitters: Uncertain significance (3). Last evaluated 2024-05-13.

Conditions:
Cranioectodermal dysplasia 1 (CED1). Also called: LEVIN SYNDROME I. Identifiers: Orphanet 1515, MedGen C0432235, MONDO:0021093, OMIM 218330.
Inborn genetic diseases. Identifiers: MedGen C0950123, MeSH D030342.

Allele frequency attached by ClinVar (database versions not stated): gnomAD exomes 0.00002; ExAC 0.00006; ESP Exome Variant Server 0.00008; gnomAD 0.00015; TOPMed 0.00019; 1000 Genomes Project 30x 0.00031.
gnomAD v4.1: 51 of 1,614,056 alleles (0.0032%); highest among the groups gnomAD compares: African/African-American, 0.063%; no homozygotes.

Submissions (3):

Fulgent Genetics
Classification: Uncertain significance for Cranioectodermal dysplasia 1. Last evaluated: 2024-05-13. Review status: criteria provided, single submitter. Criteria: ACMG Guidelines, 2015. Collection method: clinical testing. Allele origin: germline.

Labcorp Genetics (formerly Invitae), Labcorp
Classification: Uncertain significance for Cranioectodermal dysplasia 1. Last evaluated: 2022-09-27. Review status: criteria provided, single submitter. Criteria: Invitae Variant Classification Sherloc (09022015). Collection method: clinical testing. Allele origin: germline.
Comment: This sequence change replaces valine, which is neutral and non-polar, with leucine, which is neutral and non-polar, at codon 112 of the IFT122 protein (p.Val112Leu). This variant is present in population databases (rs372945368, gnomAD 0.06%). This variant has not been reported in the literature in individuals affected with IFT122-related conditions. Algorithms developed to predict the effect of missense changes on protein structure and function (SIFT, PolyPhen-2, Align-GVGD) all suggest that this variant is likely to be tolerated. In summary, the available evidence is currently insufficient to determine the role of this variant in disease. Therefore, it has been classified as a Variant of Uncertain Significance.

Ambry Genetics
Classification: Uncertain significance for Inborn genetic diseases. Last evaluated: 2021-08-17. Review status: criteria provided, single submitter. Criteria: Ambry Variant Classification Scheme 2023. Collection method: clinical testing. Allele origin: germline.

NM_052989.3(IFT122):c.273-313G>C

Gene: IFT122 (intraflagellar transport 122; plus strand). Cytogenetic location: 3q21.3.
Variant type: single nucleotide variant.
Coding change: c.273-313G>C on transcript NM_052989.3 (MANE Select); 313 bases into the intron before coding-DNA position 273, G replaced by C.
Molecular consequence: intron variant. On other transcripts: missense variant (2).
Genome position (GRCh38, 1-based): chr3:129,460,915, G>C. VCF-style: chr3-129460915-G-C. GRCh37 (hg19) VCF-style: chr3-129179758-G-C.
Other names: c.334G>C, p.Val112Leu (NM_001280541.2, NM_052985.4); c.-178-313G>C (NM_001280545.2, NM_001280546.2); c.273-313G>C (NM_018262.4); c.194-2645G>C (NM_052990.3); short protein forms V112L.
Identifiers: ClinVar variation 2051856 (VCV002051856.3), dbSNP rs372945368, ClinGen allele CA2605794.